The following is an entry in ClinVar:

NM_000232.5(SGCB):c.708_709insTTTTCATTATGGGC (p.Lys237fs)

Gene: SGCB (sarcoglycan beta; minus strand). Cytogenetic location: 4q12.
Variant type: Insertion.
Coding change: c.708_709insTTTTCATTATGGGC on transcript NM_000232.5 (MANE Select); coding-DNA positions 708 to 709, TTTTCATTATGGGC inserted.
Protein change: p.Lys237fs; shifts the reading frame from lysine 237.
Molecular consequence: frameshift variant.
Genome position: GRCh38 VCF-style: chr4-52028012-T-TGCCCATAATGAAAA. GRCh37 (hg19) VCF-style: chr4-52894178-T-TGCCCATAATGAAAA.
Other names: short protein forms K237fs.
Identifiers: ClinVar variation 2025299 (VCV002025299.4), dbSNP rs2475219892, ClinGen allele CA2580071061.

ClinVar aggregate classification (germline): Pathogenic (1 of 4 stars; one submission).

Conditions:
Autosomal recessive limb-girdle muscular dystrophy type 2E (LGMDR4). Also called: MUSCULAR DYSTROPHY, LIMB-GIRDLE, AUTOSOMAL RECESSIVE 4. Identifiers: Orphanet 119, MedGen C1858593, MONDO:0011423, OMIM 604286. Disease mechanism: Affects gamma-sarcoglycan and also disrupts the integrity of the entire sarcoglycan complex..

Submission:

Labcorp Genetics (formerly Invitae), Labcorp
Classification: Pathogenic for Autosomal recessive limb-girdle muscular dystrophy type 2E. Last evaluated: 2022-08-30. Review status: criteria provided, single submitter. Criteria: Invitae Variant Classification Sherloc (09022015). Collection method: clinical testing. Allele origin: germline.
Comment: This sequence change creates a premature translational stop signal (p.Lys237Phefs*18) in the SGCB gene. While this is not anticipated to result in nonsense mediated decay, it is expected to disrupt the last 82 amino acid(s) of the SGCB protein. For these reasons, this variant has been classified as Pathogenic. This variant disrupts a region of the SGCB protein in which other variant(s) (p.Met247Asnfs*33) have been determined to be pathogenic (PMID: 15938573). This suggests that this is a clinically significant region of the protein, and that variants that disrupt it are likely to be disease-causing. This variant has not been reported in the literature in individuals affected with SGCB-related conditions. This variant is not present in population databases (gnomAD no frequency).

Literature cited by the submitters: PubMed 15938573.